The following is an entry in ClinVar:

NM_170707.4(LMNA):c.1112_1115dup (p.Glu372fs)

Gene: LMNA (lamin A/C; plus strand). Cytogenetic location: 1q22.
Variant type: Duplication.
Coding change: c.1112_1115dup on transcript NM_170707.4 (MANE Select); coding-DNA positions 1112 to 1115, 4 bases duplicated (TGGA; older notation c.1112_1115dupTGGA).
Protein change: p.Glu372fs; shifts the reading frame from glutamic acid 372.
Molecular consequence: frameshift variant.
Genome position (GRCh38, 1-based): chr1:156,136,076-156,136,079, TGGA duplicated; duplicating any 4 consecutive bases within chr1:156,136,075-156,136,079 gives the same sequence; the c. name uses the placement nearest the transcript's 3' end. VCF-style (leftmost placement, unchanged base first): chr1-156136074-C-CATGG. GRCh37 (hg19) VCF-style: chr1-156105865-C-CATGG.
Other names: p.Glu372AspfsX55; c.1112_1115dupTGGA (NM_170707.3); c.776_779dup, p.Glu260fs (NM_001257374.3); c.869_872dup, p.Glu291fs (NM_001282624.2); c.1112_1115dup, p.Glu372fs (NM_001282625.2, NM_001282626.2, NM_005572.4 and 1 more transcripts); c.1112_1115dup (NM_170707.2); short protein forms E260fs, E372fs, E291fs.
Identifiers: ClinVar variation 48030 (VCV000048030.18), dbSNP rs397517888, ClinGen allele CA261950.

ClinVar aggregate classification (germline): Pathogenic/Likely pathogenic. Review status: criteria provided, multiple submitters, no conflicts (2 of 4 stars). 5 submissions from 5 submitters: Pathogenic (3); Likely pathogenic (2). Last evaluated 2026-08-24.

Conditions:
Charcot-Marie-Tooth disease type 2. Also called: Charcot-Marie-Tooth type 2. Identifiers: Orphanet 64746, MedGen C0270914, MONDO:0018993.
Cardiomyopathy (CMYO). Also called: Cardiomyopathies. Identifiers: Orphanet 167848, MedGen C0878544, MONDO:0004994, HP:0001638. Inheritance: Various modes of inheritance.
Primary dilated cardiomyopathy (DCM). Also called: Dilated Cardiomyopathy. Identifiers: Orphanet 217604, MedGen C0007193, MeSH D002311, MONDO:0005021, HP:0001644. Inheritance: Various modes of inheritance.

Submissions (5):

GeneDx
Classification: Likely pathogenic. Last evaluated: 2026-08-24. Review status: criteria provided, single submitter. Criteria: GeneDx Variant Classification Process June 2021. Collection method: clinical testing. Allele origin: germline.
Comment: Frameshift variant predicted to result in protein truncation or nonsense mediated decay in a gene for which loss of function is a known mechanism of disease; Not observed at significant frequency in large population cohorts (gnomAD); Has not been previously published as pathogenic or benign to our knowledge; This variant is associated with the following publications: (PMID: 10939567)

Labcorp Genetics (formerly Invitae), Labcorp
Classification: Pathogenic for Charcot-Marie-Tooth disease type 2. Last evaluated: 2025-10-20. Review status: criteria provided, single submitter. Criteria: Invitae Variant Classification Sherloc (09022015). Collection method: clinical testing. Allele origin: germline.
Comment: This sequence change creates a premature translational stop signal (p.Glu372Aspfs*55) in the LMNA gene. It is expected to result in an absent or disrupted protein product. Loss-of-function variants in LMNA are known to be pathogenic (PMID: 18585512, 18926329). This variant is not present in population databases (gnomAD no frequency). This variant has not been reported in the literature in individuals affected with LMNA-related conditions. ClinVar contains an entry for this variant (Variation ID: 48030). For these reasons, this variant has been classified as Pathogenic.

Color Diagnostics, LLC DBA Color Health
Classification: Pathogenic for Cardiomyopathy. Last evaluated: 2025-06-18. Review status: criteria provided, single submitter. Criteria: ACMG Guidelines, 2015. Collection method: clinical testing. Allele origin: germline.
Comment: This variant inserts four nucleotides in exon 6 of the LMNA gene, creating a frameshift and premature translation stop signal. This variant is expected to result in an absent or non-functional protein product. To our knowledge, this variant has not been reported in individuals affected with LMNA-related disorders in the literature. This variant has not been identified in the general population by the Genome Aggregation Database (gnomAD). Loss of LMNA function is a known mechanism of disease. Based on the available evidence, this variant is classified as Pathogenic.

Revvity Omics, Revvity
Classification: Pathogenic. Last evaluated: 2019-11-26. Review status: criteria provided, single submitter. Criteria: ACMG Guidelines, 2015. Collection method: clinical testing. Allele origin: germline.

Laboratory for Molecular Medicine, Mass General Brigham Personalized Medicine
Classification: Likely pathogenic for Primary dilated cardiomyopathy. Last evaluated: 2014-03-11. Review status: criteria provided, single submitter. Criteria: LMM Criteria. Collection method: clinical testing. Allele origin: germline. Observed: 2 variant alleles.
Comment: Data from large population studies is insufficient to assess the frequency of this variant. This frameshift variant is predicted to alter the pro tein?s amino acid sequence beginning at position 372 and lead to a premature ter mination codon 55 amino acids downstream. This alteration is then predicted to l ead to a truncated or absent protein. Heterozygous loss of function of the LMNA gene is an established disease mechanism in individuals with DCM. In addition, a nother frameshift variant starting at the same codon, but leading to a premature stop codon 108 amino acids downstream, has been reported in one individual with DCM and was absent in 300 control chromosomes (Parks 2008). In summary, this va riant is likely to be pathogenic, though additional studies are required to full y establish its clinical significance.

Literature cited by the submitters: PubMed 18585512 (cited by Labcorp Genetics (formerly Invitae), Labcorp and Laboratory for Molecular Medicine, Mass General Brigham Personalized Medicine); PubMed 18926329 (cited by Labcorp Genetics (formerly Invitae), Labcorp).